The following is an entry in ClinVar:

ClinVar aggregate classification (germline): Uncertain significance. Review status: criteria provided, multiple submitters, no conflicts (2 of 4 stars). 2 submissions from 2 submitters: Uncertain significance (2). Last evaluated 2023-07-26.

Conditions:
Inborn genetic diseases. Identifiers: MedGen C0950123, MeSH D030342.

Allele frequency attached by ClinVar (database versions not stated): ExAC 0.00002; gnomAD exomes 0.00006; 1000 Genomes Project 30x 0.00016; 1000 Genomes Project 0.00020.
gnomAD v4.1: 94 of 1,614,150 alleles (0.0058%); highest among the groups gnomAD compares: Middle Eastern, 0.083%; no homozygotes.

Submissions (2):

GeneDx
Classification: Uncertain significance. Last evaluated: 2023-07-26. Review status: criteria provided, single submitter. Criteria: GeneDx Variant Classification Process June 2021. Collection method: clinical testing. Allele origin: germline. Affected: yes.
Comment: In silico analysis supports that this missense variant does not alter protein structure/function; Has not been previously published as pathogenic or benign to our knowledge

Ambry Genetics
Classification: Uncertain significance for Inborn genetic diseases. Last evaluated: 2023-02-15. Review status: criteria provided, single submitter. Criteria: Ambry Variant Classification Scheme 2023. Collection method: clinical testing. Allele origin: germline.

NM_014865.4(NCAPD2):c.1793A>T (p.Asn598Ile)

Gene: NCAPD2 (non-SMC condensin I complex subunit D2; plus strand). Cytogenetic location: 12p13.31.
Variant type: single nucleotide variant.
Coding change: c.1793A>T on transcript NM_014865.4 (MANE Select); coding-DNA position 1793, A replaced by T.
Protein change: p.Asn598Ile; replaces asparagine 598 with isoleucine.
Molecular consequence: missense variant.
Genome position (GRCh38, 1-based): chr12:6,521,876, A>T. VCF-style: chr12-6521876-A-T. GRCh37 (hg19) VCF-style: chr12-6631042-A-T.
Other names: short protein forms N598I.
Identifiers: ClinVar variation 3180665 (VCV003180665.2), dbSNP rs200329416, ClinGen allele CA6408511.